The following is an entry in ClinVar:

ClinVar aggregate classification (germline): Uncertain significance (1 of 4 stars; one submission).

Conditions:
Spermatogenic failure 18. Identifiers: MedGen C4539783, MONDO:0054615, OMIM 617576.
Ciliary dyskinesia, primary, 37 (CILD37). Also called: CILIARY DYSKINESIA, PRIMARY, 37, WITH OR WITHOUT SITUS INVERSUS. Identifiers: MedGen C4539798, MONDO:0033204, OMIM 617577.

Allele frequency attached by ClinVar (database versions not stated): gnomAD below 0.00001 and 0.00001; TOPMed below 0.00001; gnomAD exomes 0.00002 and 0.00003; ExAC 0.00005.
gnomAD v4.1: 24 of 1,577,776 alleles (0.0015%); highest among the groups gnomAD compares: South Asian, 0.024%; no homozygotes.

Submission:

Labcorp Genetics (formerly Invitae), Labcorp
Classification: Uncertain significance for Ciliary dyskinesia, primary, 37; Spermatogenic failure 18. Last evaluated: 2019-06-29. Review status: criteria provided, single submitter. Criteria: Invitae Variant Classification Sherloc (09022015). Collection method: clinical testing. Allele origin: germline.
Comment: This sequence change replaces alanine with threonine at codon 1324 of the DNAH1 protein (p.Ala1324Thr). The alanine residue is highly conserved and there is a small physicochemical difference between alanine and threonine. This variant is present in population databases (rs749595549, ExAC 0.01%). This variant has not been reported in the literature in individuals with DNAH1-related conditions. Algorithms developed to predict the effect of missense changes on protein structure and function are either unavailable or do not agree on the potential impact of this missense change (SIFT: "Deleterious"; PolyPhen-2: "Benign"; Align-GVGD: "Class C55"). In summary, the available evidence is currently insufficient to determine the role of this variant in disease. Therefore, it has been classified as a Variant of Uncertain Significance.

NM_015512.5(DNAH1):c.3970G>A (p.Ala1324Thr)

Gene: DNAH1 (dynein axonemal heavy chain 1; plus strand). Cytogenetic location: 3p21.1.
Variant type: single nucleotide variant.
Coding change: c.3970G>A on transcript NM_015512.5 (MANE Select); coding-DNA position 3970, G replaced by A.
Protein change: p.Ala1324Thr; replaces alanine 1324 with threonine.
Molecular consequence: missense variant.
Genome position (GRCh38, 1-based): chr3:52,357,725, G>A. VCF-style: chr3-52357725-G-A. GRCh37 (hg19) VCF-style: chr3-52391741-G-A.
Other names: short protein forms A1324T.
Identifiers: ClinVar variation 933297 (VCV000933297.6), dbSNP rs749595549, ClinGen allele CA2433746.